The following is an entry in ClinVar:

ClinVar aggregate classification (germline): Benign/Likely benign. Review status: criteria provided, multiple submitters, no conflicts (2 of 4 stars). 3 submissions from 3 submitters: Benign (1); Likely benign (2). Last evaluated 2026-06-01.

Allele frequency attached by ClinVar (database versions not stated): 1000 Genomes Project 0.00140; gnomAD 0.00140 and 0.00141; 1000 Genomes Project 30x 0.00141; TOPMed 0.00158; ESP Exome Variant Server 0.00169; gnomAD exomes 0.00173; ExAC 0.00191.
gnomAD v4.1: 3,795 of 1,613,928 alleles (0.24%); highest among the groups gnomAD compares: Non-Finnish European, 0.28%; 9 homozygotes.

Submissions (3):

CeGaT Center for Human Genetics Tuebingen
Classification: Likely benign. Last evaluated: 2026-06-01. Review status: criteria provided, single submitter. Criteria: CeGaT Center For Human Genetics Tuebingen Variant Classification Criteria Version 2. Collection method: clinical testing. Allele origin: germline. Affected: yes. Observed: 25 variant alleles.
Comment: SMARCB1: BS1; DERL3: BP4, BP7

Dasa
Classification: Benign. Last evaluated: 2025-12-08. Review status: criteria provided, single submitter. Criteria: DASA Assertion Criteria. Collection method: clinical testing. Allele origin: germline.
Comment: NM_003073.5(SMARCB1):c.*2967C>T is a sequence variant. Population frequency is inconsistent with a disease-causing role for this variant, observations in unaffected individuals support a benign interpretation, and the variant context is inconsistent with a known disease-causing mechanism. Therefore, based on the currently available evidence, this variant is classified as benign.

Breakthrough Genomics
Classification: Likely benign. Review status: criteria provided, single submitter. Criteria: ACMG Guidelines, 2015. Collection method: not provided. Allele origin: germline. Inheritance: Autosomal dominant inheritance. Affected: yes.

NM_001002862.3(DERL3):c.531G>A (p.Ala177=)

Genes: DERL3 (derlin 3; minus strand), SMARCB1 (SWI/SNF related BAF chromatin remodeling complex subunit B1; plus strand). Cytogenetic location: 22q11.23.
Variant type: single nucleotide variant.
Coding change: c.531G>A on transcript NM_001002862.3 (MANE Select); coding-DNA position 531, G replaced by A.
Protein change: p.Ala177=; no amino-acid change (alanine 177 retained).
Molecular consequence: synonymous variant. On other transcripts: 3 prime UTR variant (4).
Genome position (GRCh38, 1-based): chr22:23,837,147, C>T on the plus strand (G>A on the coding strand, the complement: DERL3 is on the minus strand). VCF-style: chr22-23837147-C-T. GRCh37 (hg19) VCF-style: chr22-24179334-C-T.
Other names: c.*2967C>T (NM_001007468.3, NM_001317946.2, NM_001362877.2 and 1 more transcripts); c.531G>A, p.Ala177= (NM_001135751.2, NM_001363072.2, NM_198440.4).
Identifiers: ClinVar variation 1298887 (VCV001298887.37), dbSNP rs117846678, ClinGen allele CA10146275.